The following is an entry in ClinVar:

NM_001258392.3(CLPB):c.456-5139C>T

Gene: CLPB (ClpB family mitochondrial disaggregase; minus strand). Cytogenetic location: 11q13.4.
Variant type: single nucleotide variant.
Coding change: c.456-5139C>T on transcript NM_001258392.3 (MANE Select); 5139 bases into the intron before coding-DNA position 456, C replaced by T.
Molecular consequence: intron variant. On other transcripts: missense variant (1).
Genome position (GRCh38, 1-based): chr11:72,408,191, G>A on the plus strand (C>T on the coding strand, the complement: CLPB is on the minus strand). VCF-style: chr11-72408191-G-A. GRCh37 (hg19) VCF-style: chr11-72119235-G-A.
Other names: c.227C>T, p.Ala76Val (NM_001258394.3); c.455+22121C>T (NM_001258393.3); c.456-5139C>T (NM_030813.6); short protein forms A76V.
Identifiers: ClinVar variation 4537537 (VCV004537537.1).

ClinVar aggregate classification (germline): Uncertain significance (1 of 4 stars; one submission).

Submission:

GeneDx
Classification: Uncertain significance. Last evaluated: 2025-06-12. Review status: criteria provided, single submitter. Criteria: GeneDx Variant Classification Process June 2021. Collection method: clinical testing. Allele origin: germline. Affected: yes.
Comment: Not observed at significant frequency in large population cohorts (gnomAD); In silico analysis indicates that this missense variant does not alter protein structure/function; Has not been previously published as pathogenic or benign to our knowledge; Reported using an alternate transcript of the gene